The following is an entry in ClinVar:

ClinVar aggregate classification (germline): Uncertain significance (1 of 4 stars; one submission).

Conditions:
Tuberous sclerosis 2 (TSC2). Identifiers: Orphanet 805, MedGen C1860707, MONDO:0013199, OMIM 613254.

Submission:

Labcorp Genetics (formerly Invitae), Labcorp
Classification: Uncertain significance for Tuberous sclerosis 2. Last evaluated: 2021-01-19. Review status: criteria provided, single submitter. Criteria: Invitae Variant Classification Sherloc (09022015). Collection method: clinical testing. Allele origin: germline.
Comment: In summary, the available evidence is currently insufficient to determine the role of this variant in disease. Therefore, it has been classified as a Variant of Uncertain Significance. Advanced modeling of protein sequence and biophysical properties (such as structural, functional, and spatial information, amino acid conservation, physicochemical variation, residue mobility, and thermodynamic stability) performed at Invitae indicates that this missense variant is not expected to disrupt TSC2 protein function. This variant has not been reported in the literature in individuals with TSC2-related conditions. This variant is not present in population databases (ExAC no frequency). This sequence change replaces methionine with arginine at codon 449 of the TSC2 protein (p.Met449Arg). The methionine residue is highly conserved and there is a moderate physicochemical difference between methionine and arginine.

NM_000548.5(TSC2):c.1346T>G (p.Met449Arg)

Gene: TSC2 (TSC complex subunit 2; plus strand). Cytogenetic location: 16p13.3.
Variant type: single nucleotide variant.
Coding change: c.1346T>G on transcript NM_000548.5 (MANE Select); coding-DNA position 1346, T replaced by G.
Protein change: p.Met449Arg; replaces methionine 449 with arginine.
Molecular consequence: missense variant.
Genome position (GRCh38, 1-based): chr16:2,062,585, T>G. VCF-style: chr16-2062585-T-G. GRCh37 (hg19) VCF-style: chr16-2112586-T-G.
Other names: c.1346T>G, p.Met449Arg (NM_001077183.3, NM_001114382.3, NM_001363528.2 and 3 more transcripts); c.1235T>G, p.Met412Arg (NM_001318827.2); c.1199T>G, p.Met400Arg (NM_001318829.2); c.746T>G, p.Met249Arg (NM_001318831.2); c.1379T>G, p.Met460Arg (NM_001318832.2); short protein forms M412R, M460R, M249R, M449R, M400R.
Identifiers: ClinVar variation 1517825 (VCV001517825.8), dbSNP rs1057520875, ClinGen allele CA394322610.